The following is an entry in ClinVar:

NM_031443.4(CCM2):c.589A>C (p.Ile197Leu)

Gene: CCM2 (CCM2 scaffold protein; plus strand). Cytogenetic location: 7p13.
Variant type: single nucleotide variant.
Coding change: c.589A>C on transcript NM_031443.4 (MANE Select); coding-DNA position 589, A replaced by C.
Protein change: p.Ile197Leu; replaces isoleucine 197 with leucine.
Molecular consequence: missense variant. On other transcripts: non-coding transcript variant (1), intron variant (1).
Genome position (GRCh38, 1-based): chr7:45,068,559, A>C. VCF-style: chr7-45068559-A-C. GRCh37 (hg19) VCF-style: chr7-45108158-A-C.
Other names: c.652A>C, p.Ile218Leu (NM_001029835.2); c.415A>C, p.Ile139Leu (NM_001167934.2, NM_001363459.2); c.589A>C, p.Ile197Leu (NM_001363458.2); c.472+3913A>C (NM_001167935.2); c.589A>C (NM_031443.3); short protein forms I197L, I218L, I139L.
Identifiers: ClinVar variation 1407762 (VCV001407762.7), dbSNP rs1798899357, ClinGen allele CA367430432.
Genomic context (GRCh38, chr7:45,068,559, plus strand): 5'-CTCAGTGCAGGCTCCCTGTCGGAGAGTGCAGTTGGGCCCGTGGAGGCATGCTGCCTGGTC[A>C]TCCTGGCTGCAGAGAGCAAGGTGAGACTTTCTCGCCCCACTTACTCAGAACTGGCTCCTC-3'
Protein context (NP_113631.1, residues 187-207): VGPVEACCLV[Ile197Leu]LAAESKVAAE

ClinVar aggregate classification (germline): Uncertain significance. Review status: criteria provided, multiple submitters, no conflicts (2 of 4 stars). 2 submissions from 2 submitters: Uncertain significance (2). Last evaluated 2026-08-04.

Conditions:
Inborn genetic diseases. Identifiers: MedGen C0950123, MeSH D030342.
Cerebral cavernous malformation 2. Also called: Familial Cerebral Cavernous Malformation 2. Identifiers: Orphanet 221061, MedGen C1864041, MONDO:0011304, OMIM 603284.

Allele frequency attached by ClinVar (database versions not stated): gnomAD 0.00001; gnomAD exomes 0.00001.
gnomAD v4.1: 13 of 1,613,936 alleles (0.00081%); highest among the groups gnomAD compares: Non-Finnish European, 0.0011%; no homozygotes.

Submissions (2):

Ambry Genetics
Classification: Uncertain significance for Inborn genetic diseases. Last evaluated: 2026-08-04. Review status: criteria provided, single submitter. Criteria: Ambry Variant Classification Scheme 2023. Collection method: clinical testing. Allele origin: germline.

Labcorp Genetics (formerly Invitae), Labcorp
Classification: Uncertain significance for Cerebral cavernous malformation 2. Last evaluated: 2024-06-11. Review status: criteria provided, single submitter. Criteria: Invitae Variant Classification Sherloc (09022015). Collection method: clinical testing. Allele origin: germline.
Comment: This sequence change replaces isoleucine, which is neutral and non-polar, with leucine, which is neutral and non-polar, at codon 197 of the CCM2 protein (p.Ile197Leu). This variant is not present in population databases (gnomAD no frequency). This variant has not been reported in the literature in individuals affected with CCM2-related conditions. ClinVar contains an entry for this variant (Variation ID: 1407762). Advanced modeling of protein sequence and biophysical properties (such as structural, functional, and spatial information, amino acid conservation, physicochemical variation, residue mobility, and thermodynamic stability) performed at Invitae indicates that this missense variant is not expected to disrupt CCM2 protein function with a negative predictive value of 80%. In summary, the available evidence is currently insufficient to determine the role of this variant in disease. Therefore, it has been classified as a Variant of Uncertain Significance.